The following is an entry in ClinVar:

NM_003482.4(KMT2D):c.15589G>A (p.Ala5197Thr)

Gene: KMT2D (lysine methyltransferase 2D; minus strand). Cytogenetic location: 12q13.12.
Variant type: single nucleotide variant.
Coding change: c.15589G>A on transcript NM_003482.4 (MANE Select); coding-DNA position 15589, G replaced by A.
Protein change: p.Ala5197Thr; replaces alanine 5197 with threonine.
Molecular consequence: missense variant.
Genome position (GRCh38, 1-based): chr12:49,026,377, C>T on the plus strand (G>A on the coding strand, the complement: KMT2D is on the minus strand). VCF-style: chr12-49026377-C-T. GRCh37 (hg19) VCF-style: chr12-49420160-C-T.
Other names: short protein forms A5197T.
Identifiers: ClinVar variation 547504 (VCV000547504.5), dbSNP rs1555185696, ClinGen allele CA384686575.
Genomic context (GRCh38, chr12:49,026,377, plus strand): 5'-AATAGATGCGCGTGGCCTCGTAGCCCACGGGATAGAGGGCAGTGGCACTATGAAAGTCAG[C>T]CATCTGGTGAGGCAGCAGCTGTCCGATGGCGTGGAACACAAGGCCCCCCACACGGAACAT-3'
Protein context (NP_003473.3, residues 5187-5207): AIGQLLPHQM[Ala5197Thr]DFHSATALYP

ClinVar aggregate classification (germline): Uncertain significance. Review status: criteria provided, multiple submitters, no conflicts (2 of 4 stars). 2 submissions from 2 submitters: Uncertain significance (2). Last evaluated 2022-03-15.

Conditions:
Kabuki syndrome. Also called: NIIKAWA-KUROKI SYNDROME; Kabuki make-up syndrome. Identifiers: Orphanet 2322, MedGen C0796004, MONDO:0016512.
Kabuki syndrome 1 (KABUK1). Also called: KMT2D-Related Kabuki Syndrome. Identifiers: Orphanet 2322, MedGen CN030661, MONDO:0007843, OMIM 147920.

Allele frequency attached by ClinVar (database versions not stated): gnomAD exomes below 0.00001.

Submissions (2):

Labcorp Genetics (formerly Invitae), Labcorp
Classification: Uncertain significance for Kabuki syndrome. Last evaluated: 2022-03-15. Review status: criteria provided, single submitter. Criteria: Invitae Variant Classification Sherloc (09022015). Collection method: clinical testing. Allele origin: germline.
Comment: In summary, the available evidence is currently insufficient to determine the role of this variant in disease. Therefore, it has been classified as a Variant of Uncertain Significance. Advanced modeling of protein sequence and biophysical properties (such as structural, functional, and spatial information, amino acid conservation, physicochemical variation, residue mobility, and thermodynamic stability) performed at Invitae indicates that this missense variant is not expected to disrupt KMT2D protein function. ClinVar contains an entry for this variant (Variation ID: 547504). This variant has not been reported in the literature in individuals affected with KMT2D-related conditions. This variant is not present in population databases (gnomAD no frequency). This sequence change replaces alanine, which is neutral and non-polar, with threonine, which is neutral and polar, at codon 5197 of the KMT2D protein (p.Ala5197Thr).

Center for Human Genetics, Inc
Classification: Uncertain significance for Kabuki syndrome 1. Last evaluated: 2016-11-01. Review status: criteria provided, single submitter. Criteria: ACMG Guidelines, 2015. Collection method: clinical testing. Allele origin: germline. Affected: yes.